The following is an entry in ClinVar:

NM_006371.5(CRTAP):c.1068+303A>G

Gene: CRTAP (cartilage associated protein; plus strand). Cytogenetic location: 3p22.3.
Variant type: single nucleotide variant.
Coding change: c.1068+303A>G on transcript NM_006371.5 (MANE Select); 303 bases into the intron after coding-DNA position 1068, A replaced by G.
Molecular consequence: intron variant.
Genome position (GRCh38, 1-based): chr3:33,133,003, A>G. VCF-style: chr3-33133003-A-G. GRCh37 (hg19) VCF-style: chr3-33174495-A-G.
Other names: c.1068+303A>G (NM_001393363.1); c.939+303A>G (NM_001393364.1); c.918+303A>G (NM_001393365.1).
Identifiers: ClinVar variation 667635 (VCV000667635.1), dbSNP rs62250517, ClinGen allele CA11470602.
Genomic context (GRCh38, chr3:33,133,003, plus strand): 5'-TGGCACGTGGCTGTAGTCCCAGCTACTTGGGAGGCTGAGGCAGAAGAATCGCTTGAACCC[A>G]GGGGCAGAGGTTGCTGTGAGCCGAGATTGCGCCAAAAAAAAGGAAATCAAGGAAAAGTCA-3'

ClinVar aggregate classification (germline): Benign (1 of 4 stars; one submission).

Allele frequency attached by ClinVar (database versions not stated): gnomAD 0.75536 and 0.76136; TOPMed 0.76542; 1000 Genomes Project 30x 0.82870; 1000 Genomes Project 0.83067.
gnomAD v4.1: 114,982 of 151,186 alleles (76%); highest among the groups gnomAD compares: East Asian, 96%; 44,230 homozygotes.

Submission:

GeneDx
Classification: Benign. Last evaluated: 2018-06-19. Review status: criteria provided, single submitter. Criteria: GeneDx Variant Classification (06012015). Collection method: clinical testing. Allele origin: germline. Affected: yes.
Comment: This variant is considered likely benign or benign based on one or more of the following criteria: it is a conservative change, it occurs at a poorly conserved position in the protein, it is predicted to be benign by multiple in silico algorithms, and/or has population frequency not consistent with disease.